The following is an entry in ClinVar:

NM_006790.3(MYOT):c.122T>C (p.Ile41Thr)

Genes: MYOT (myotilin; plus strand), PKD2L2-DT (PKD2L2 divergent transcript; minus strand). Cytogenetic location: 5q31.2.
Variant type: single nucleotide variant.
Coding change: c.122T>C on transcript NM_006790.3 (MANE Select); coding-DNA position 122, T replaced by C.
Protein change: p.Ile41Thr; replaces isoleucine 41 with threonine.
Molecular consequence: missense variant. On other transcripts: intron variant (2).
Genome position (GRCh38, 1-based): chr5:137,870,773, T>C. VCF-style: chr5-137870773-T-C. GRCh37 (hg19) VCF-style: chr5-137206462-T-C.
Other names: c.-120-104T>C (NM_001300911.2); c.-197+248T>C (NM_001135940.2); short protein forms I41T.
Identifiers: ClinVar variation 129682 (VCV000129682.16), dbSNP rs587780396, ClinGen allele CA231298.

ClinVar aggregate classification (germline): Uncertain significance. Review status: criteria provided, multiple submitters, no conflicts (2 of 4 stars). 3 submissions from 3 submitters: Uncertain significance (3). Last evaluated 2021-08-29.

Conditions:
Myofibrillar myopathy 3 (MFM3). Also called: Autosomal dominant spheroid body myopathy; Muscular dystrophy, proximal, type 1A. Identifiers: Orphanet 266, Orphanet 268129, MedGen C3714934, MONDO:0012215, OMIM 609200.

Allele frequency attached by ClinVar (database versions not stated): TOPMed below 0.00001; gnomAD 0.00001.
gnomAD v4.1: 2 of 1,614,084 alleles (0.00012%); highest among the groups gnomAD compares: Admixed American, 0.0033%; no homozygotes.

Submissions (3):

Labcorp Genetics (formerly Invitae), Labcorp
Classification: Uncertain significance for Myofibrillar myopathy 3. Last evaluated: 2021-08-29. Review status: criteria provided, single submitter. Criteria: Invitae Variant Classification Sherloc (09022015). Collection method: clinical testing. Allele origin: germline.
Comment: This sequence change replaces isoleucine with threonine at codon 41 of the MYOT protein (p.Ile41Thr). The isoleucine residue is weakly conserved and there is a moderate physicochemical difference between isoleucine and threonine. This variant is not present in population databases (ExAC no frequency). This variant has not been reported in the literature in individuals affected with MYOT-related conditions. ClinVar contains an entry for this variant (Variation ID: 129682). Algorithms developed to predict the effect of missense changes on protein structure and function output the following: SIFT: "Tolerated"; PolyPhen-2: "Benign"; Align-GVGD: "Class C0". The threonine amino acid residue is found in multiple mammalian species, which suggests that this missense change does not adversely affect protein function. In summary, the available evidence is currently insufficient to determine the role of this variant in disease. Therefore, it has been classified as a Variant of Uncertain Significance.

Eurofins Ntd Llc (ga)
Classification: Uncertain significance. Last evaluated: 2017-01-04. Review status: criteria provided, single submitter. Criteria: EGL Classification Definitions 2015. Collection method: clinical testing. Allele origin: germline. Observed: 1 variant allele, 1 heterozygote.

Genetic Services Laboratory, University of Chicago
Classification: Uncertain significance. Last evaluated: 2014-02-03. Review status: criteria provided, single submitter. Criteria: ACMG Guidelines, 2007. Collection method: clinical testing. Allele origin: germline. Inheritance: Autosomal dominant inheritance.